The following is an entry in ClinVar:

ClinVar aggregate classification (germline): Uncertain significance (1 of 4 stars; one submission).

Conditions:
Spastic paraplegia. Identifiers: MedGen C0037772, HP:0001258.

Allele frequency attached by ClinVar (database versions not stated): gnomAD exomes below 0.00001.
gnomAD v4.1: 2 of 1,613,930 alleles (0.00012%); highest among the groups gnomAD compares: Non-Finnish European, 0.00017%; no homozygotes.

Submission:

Labcorp Genetics (formerly Invitae), Labcorp
Classification: Uncertain significance for Spastic paraplegia. Last evaluated: 2018-10-10. Review status: criteria provided, single submitter. Criteria: Invitae Variant Classification Sherloc (09022015). Collection method: clinical testing. Allele origin: germline.
Comment: In summary, the available evidence is currently insufficient to determine the role of this variant in disease. Therefore, it has been classified as a Variant of Uncertain Significance. Algorithms developed to predict the effect of missense changes on protein structure and function are either unavailable or do not agree on the potential impact of this missense change (SIFT: "Deleterious"; PolyPhen-2: "Probably Damaging"; Align-GVGD: "Class C0"). This variant has not been reported in the literature in individuals with AP4E1-related disease. This variant is not present in population databases (ExAC no frequency). This sequence change replaces alanine with threonine at codon 767 of the AP4E1 protein (p.Ala767Thr). The alanine residue is highly conserved and there is a small physicochemical difference between alanine and threonine.

NM_007347.5(AP4E1):c.2299G>A (p.Ala767Thr)

Gene: AP4E1 (adaptor related protein complex 4 subunit epsilon 1; plus strand). Cytogenetic location: 15q21.2.
Variant type: single nucleotide variant.
Coding change: c.2299G>A on transcript NM_007347.5 (MANE Select); coding-DNA position 2299, G replaced by A.
Protein change: p.Ala767Thr; replaces alanine 767 with threonine.
Molecular consequence: missense variant.
Genome position (GRCh38, 1-based): chr15:50,993,578, G>A. VCF-style: chr15-50993578-G-A. GRCh37 (hg19) VCF-style: chr15-51285775-G-A.
Other names: c.2074G>A, p.Ala692Thr (NM_001252127.2); short protein forms A692T, A767T.
Identifiers: ClinVar variation 654617 (VCV000654617.6), dbSNP rs1446336139, ClinGen allele CA392419653.